The following is an entry in ClinVar:

NM_001374353.1(GLI2):c.4025T>G (p.Met1342Arg)

Gene: GLI2 (GLI family zinc finger 2; plus strand). Cytogenetic location: 2q14.2.
Variant type: single nucleotide variant.
Coding change: c.4025T>G on transcript NM_001374353.1 (MANE Select); coding-DNA position 4025, T replaced by G.
Protein change: p.Met1342Arg; replaces methionine 1342 with arginine.
Molecular consequence: missense variant.
Genome position (GRCh38, 1-based): chr2:120,989,990, T>G. VCF-style: chr2-120989990-T-G. GRCh37 (hg19) VCF-style: chr2-121747566-T-G.
Other names: c.4076T>G, p.Met1359Arg (NM_001371271.1, NM_005270.5); c.3650T>G, p.Met1217Arg (NM_001374354.1); short protein forms M1217R, M1342R, M1359R.
Identifiers: ClinVar variation 3384240 (VCV003384240.1).
Genomic context (GRCh38, chr2:120,989,990, plus strand): 5'-AGGTCCCCAGCCTTCTGCCTGCCCGCCAGCCTGGCTTCATGGAGCCCCAAACAGGCCCGA[T>G]GGGGGTGGCTACAGCAGGCTTTGGCCTAGTGCAGCCCCGGCCTCCCCTCGAGCCCAGCCC-3'
Protein context (NP_001361282.1, residues 1332-1352): PGFMEPQTGP[Met1342Arg]GVATAGFGLV

ClinVar aggregate classification (germline): Uncertain significance (1 of 4 stars; one submission).

Submission:

GeneDx
Classification: Uncertain significance. Last evaluated: 2024-06-07. Review status: criteria provided, single submitter. Criteria: GeneDx Variant Classification Process June 2021. Collection method: clinical testing. Allele origin: germline. Affected: yes.
Comment: Not observed at significant frequency in large population cohorts (gnomAD); In silico analysis indicates that this missense variant does not alter protein structure/function; Has not been previously published as pathogenic or benign to our knowledge